The following is an entry in ClinVar:

NM_001735.3(C5):c.171A>C (p.Lys57Asn)

Gene: C5 (complement C5; minus strand). Cytogenetic location: 9q33.2.
Variant type: single nucleotide variant.
Coding change: c.171A>C on transcript NM_001735.3 (MANE Select); coding-DNA position 171, A replaced by C.
Protein change: p.Lys57Asn; replaces lysine 57 with asparagine.
Molecular consequence: missense variant.
Genome position (GRCh38, 1-based): chr9:121,046,278, T>G on the plus strand (A>C on the coding strand, the complement: C5 is on the minus strand). VCF-style: chr9-121046278-T-G. GRCh37 (hg19) VCF-style: chr9-123808556-T-G.
Other names: c.189A>C, p.Lys63Asn (NM_001317163.2); c.171A>C, p.Lys57Asn (NM_001317164.2); short protein forms K63N, K57N.
Identifiers: ClinVar variation 2849765 (VCV002849765.3), dbSNP rs2540461123, ClinGen allele CA374732483.
Genomic context (GRCh38, chr9:121,046,278, plus strand): 5'-ATTCTCTGAGGATAAATGAACATGGCCTGAGGAGTAACTAAATTTTTTATCAGGATAACT[T>G]TTAATAGAGATTGTTGCATCAAATGCTTCAGTGTATCCATAAACTTGAATCACAATATTT-3'
Protein context (NP_001726.2, residues 47-67): TEAFDATISI[Lys57Asn]SYPDKKFSYS

ClinVar aggregate classification (germline): Uncertain significance (1 of 4 stars; one submission).

Submission:

Labcorp Genetics (formerly Invitae), Labcorp
Classification: Uncertain significance. Last evaluated: 2023-03-26. Review status: criteria provided, single submitter. Criteria: Invitae Variant Classification Sherloc (09022015). Collection method: clinical testing. Allele origin: germline.
Comment: In summary, the available evidence is currently insufficient to determine the role of this variant in disease. Therefore, it has been classified as a Variant of Uncertain Significance. Advanced modeling of protein sequence and biophysical properties (such as structural, functional, and spatial information, amino acid conservation, physicochemical variation, residue mobility, and thermodynamic stability) performed at Invitae indicates that this missense variant is not expected to disrupt C5 protein function. This variant has not been reported in the literature in individuals affected with C5-related conditions. This variant is not present in population databases (gnomAD no frequency). This sequence change replaces lysine, which is basic and polar, with asparagine, which is neutral and polar, at codon 57 of the C5 protein (p.Lys57Asn).